The following is an entry in ClinVar:

ClinVar aggregate classification (germline): Uncertain significance (1 of 4 stars; one submission).

Conditions:
Hypertrophic cardiomyopathy. Also called: HYPERTROPHIC MYOCARDIOPATHY. Identifiers: Orphanet 217569, MedGen C0007194, MeSH D002312, MONDO:0005045, HP:0001639.

Submission:

All of Us Research Program, National Institutes of Health
Classification: Uncertain significance for Hypertrophic cardiomyopathy. Last evaluated: 2023-05-04. Review status: criteria provided, single submitter. Criteria: ACMG Guidelines, 2015. Collection method: clinical testing. Allele origin: germline. Inheritance: Autosomal dominant inheritance. Observed: 1 variant allele, 1 heterozygote.
Comment: This missense variant replaces threonine with isoleucine at codon 1008 of the MYBPC3 protein. Computational prediction suggests that this variant may not impact protein structure and function (internally defined REVEL score threshold <= 0.5, PMID: 27666373). To our knowledge, functional studies have not been reported for this variant. This variant has not been reported in individuals affected with MYBPC3-related disorders in the literature. This variant has not been identified in the general population by the Genome Aggregation Database (gnomAD). The available evidence is insufficient to determine the role of this variant in disease conclusively. Therefore, this variant is classified as a Variant of Uncertain Significance.

This study involves interpretation of variants in research participants for the purpose of population health screening. Participant phenotype was not available at the time of variant classification. Additional details can be found in publication PMID: 35346344, PMCID: PMC8962531

NM_000256.3(MYBPC3):c.3023C>T (p.Thr1008Ile)

Gene: MYBPC3 (myosin binding protein C3; minus strand). Cytogenetic location: 11p11.2.
Variant type: single nucleotide variant.
Coding change: c.3023C>T on transcript NM_000256.3 (MANE Select); coding-DNA position 3023, C replaced by T.
Protein change: p.Thr1008Ile; replaces threonine 1008 with isoleucine.
Molecular consequence: missense variant.
Genome position (GRCh38, 1-based): chr11:47,333,724, G>A on the plus strand (C>T on the coding strand, the complement: MYBPC3 is on the minus strand). VCF-style: chr11-47333724-G-A. GRCh37 (hg19) VCF-style: chr11-47355275-G-A.
Other names: short protein forms T1008I.
Identifiers: ClinVar variation 3070816 (VCV003070816.1), dbSNP rs2495742102, ClinGen allele CA380315607.